The following is an entry in ClinVar:

ClinVar aggregate classification (germline): Uncertain significance (1 of 4 stars; one submission).

Conditions:
Ehlers-Danlos syndrome, classic type, 1 (EDSCL1). Also called: EHLERS-DANLOS SYNDROME, GRAVIS TYPE; EHLERS-DANLOS SYNDROME, SEVERE CLASSIC TYPE; Ehlers-Danlos syndrome, type 1; Ehlers-Danlos Syndrome, Classic Type, COL5A1-Related; EDS I. Identifiers: MedGen C0268335, MONDO:0019567, OMIM 130000.

gnomAD v4.1: 7 of 1,614,022 alleles (0.00043%); highest among the groups gnomAD compares: Non-Finnish European, 0.00059%; no homozygotes.

Submission:

Labcorp Genetics (formerly Invitae), Labcorp
Classification: Uncertain significance for Ehlers-Danlos syndrome, classic type, 1. Last evaluated: 2024-12-09. Review status: criteria provided, single submitter. Criteria: Invitae Variant Classification Sherloc (09022015). Collection method: clinical testing. Allele origin: germline.
Comment: This sequence change replaces proline, which is neutral and non-polar, with leucine, which is neutral and non-polar, at codon 487 of the COL5A2 protein (p.Pro487Leu). This variant is not present in population databases (gnomAD no frequency). This variant has not been reported in the literature in individuals affected with COL5A2-related conditions. Invitae Evidence Modeling of protein sequence and biophysical properties (such as structural, functional, and spatial information, amino acid conservation, physicochemical variation, residue mobility, and thermodynamic stability) indicates that this missense variant is not expected to disrupt COL5A2 protein function with a negative predictive value of 80%. In summary, the available evidence is currently insufficient to determine the role of this variant in disease. Therefore, it has been classified as a Variant of Uncertain Significance.

NM_000393.5(COL5A2):c.1460C>T (p.Pro487Leu)

Gene: COL5A2 (collagen type V alpha 2 chain; minus strand). Cytogenetic location: 2q32.2.
Variant type: single nucleotide variant.
Coding change: c.1460C>T on transcript NM_000393.5 (MANE Select); coding-DNA position 1460, C replaced by T.
Protein change: p.Pro487Leu; replaces proline 487 with leucine.
Molecular consequence: missense variant.
Genome position (GRCh38, 1-based): chr2:189,066,493, G>A on the plus strand (C>T on the coding strand, the complement: COL5A2 is on the minus strand). VCF-style: chr2-189066493-G-A. GRCh37 (hg19) VCF-style: chr2-189931219-G-A.
Other names: short protein forms P487L.
Identifiers: ClinVar variation 3676999 (VCV003676999.2).
Genomic context (GRCh38, chr2:189,066,493, plus strand): 5'-CCTCTGGGACCTCTTTTGCCTTCTTCACCGGGTGGGCCTATCGGACCCTGAATACCATGT[G>A]GCCCCTGTTAAAAACAGAAGGACAGTTACCAGAAAGACCCATCCAACCAGTGAATTATAG-3'
Protein context (NP_000384.2, residues 477-497): GEAGPKGEPG[Pro487Leu]HGIQGPIGPP